The following is an entry in ClinVar:

ClinVar aggregate classification (germline): Conflicting classifications of pathogenicity. Review status: criteria provided, conflicting classifications (1 of 4 stars). 2 submissions from 2 submitters: Uncertain significance (1); Likely benign (1). Last evaluated 2024-03-29.

Conditions:
Hereditary cancer-predisposing syndrome. Also called: Neoplastic Syndromes, Hereditary; Hereditary Cancer Syndrome; Tumor predisposition; Hereditary neoplastic syndrome. Identifiers: Orphanet 140162, MedGen C0027672, MeSH D009386, MONDO:0015356.

gnomAD v4.1: 3 of 1,613,992 alleles (0.00019%); highest among the groups gnomAD compares: Middle Eastern, 0.016%; no homozygotes.

Submissions (2):

Ambry Genetics
Classification: Likely benign for Hereditary cancer-predisposing syndrome. Last evaluated: 2024-03-29. Review status: criteria provided, single submitter. Criteria: Ambry Variant Classification Scheme 2023. Collection method: clinical testing. Allele origin: germline.

Labcorp Genetics (formerly Invitae), Labcorp
Classification: Uncertain significance. Last evaluated: 2023-03-20. Review status: criteria provided, single submitter. Criteria: Invitae Variant Classification Sherloc (09022015). Collection method: clinical testing. Allele origin: germline.
Comment: In summary, the available evidence is currently insufficient to determine the role of this variant in disease. Therefore, it has been classified as a Variant of Uncertain Significance. Advanced modeling of protein sequence and biophysical properties (such as structural, functional, and spatial information, amino acid conservation, physicochemical variation, residue mobility, and thermodynamic stability) performed at Invitae indicates that this missense variant is not expected to disrupt XRCC2 protein function. This variant has not been reported in the literature in individuals affected with XRCC2-related conditions. This variant is not present in population databases (gnomAD no frequency). This sequence change replaces serine, which is neutral and polar, with alanine, which is neutral and non-polar, at codon 206 of the XRCC2 protein (p.Ser206Ala).

NM_005431.2(XRCC2):c.616T>G (p.Ser206Ala)

Gene: XRCC2 (X-ray repair cross complementing 2; minus strand). Cytogenetic location: 7q36.1.
Variant type: single nucleotide variant.
Coding change: c.616T>G on transcript NM_005431.2 (MANE Select); coding-DNA position 616, T replaced by G.
Protein change: p.Ser206Ala; replaces serine 206 with alanine.
Molecular consequence: missense variant.
Genome position (GRCh38, 1-based): chr7:152,648,869, A>C on the plus strand (T>G on the coding strand, the complement: XRCC2 is on the minus strand). VCF-style: chr7-152648869-A-C. GRCh37 (hg19) VCF-style: chr7-152345954-A-C.
Other names: short protein forms S206A.
Identifiers: ClinVar variation 2447811 (VCV002447811.5), dbSNP rs2485880890, ClinGen allele CA370198312.